The following is an entry in ClinVar:

ClinVar aggregate classification (germline): Uncertain significance (1 of 4 stars; one submission).

Conditions:
Neuropathy, hereditary sensory and autonomic, type 2A (HSAN2A). Also called: MORVAN DISEASE; NEUROPATHY, CONGENITAL SENSORY; NEUROPATHY, HEREDITARY SENSORY RADICULAR, AUTOSOMAL RECESSIVE; NEUROPATHY, HEREDITARY SENSORY, TYPE IIA; NEUROPATHY, PROGRESSIVE SENSORY, OF CHILDREN; HSAN IIA. Identifiers: Orphanet 970, MedGen C2752089, MONDO:0024309, OMIM 201300.
Generalized epilepsy with febrile seizures plus, type 7 (GEFSP7). Also called: GEFS+, TYPE 7. Identifiers: Orphanet 36387, MedGen C2751778, MONDO:0013470, OMIM 613863.

Allele frequency attached by ClinVar (database versions not stated): gnomAD exomes below 0.00001.
gnomAD v4.1: 1 of 1,613,356 alleles (0.000062%); highest among the groups gnomAD compares: Non-Finnish European, 0.000085%; no homozygotes.

Submission:

Labcorp Genetics (formerly Invitae), Labcorp
Classification: Uncertain significance for Neuropathy, hereditary sensory and autonomic, type 2A; Generalized epilepsy with febrile seizures plus, type 7. Last evaluated: 2023-10-22. Review status: criteria provided, single submitter. Criteria: Invitae Variant Classification Sherloc (09022015). Collection method: clinical testing. Allele origin: germline.
Comment: This sequence change replaces methionine, which is neutral and non-polar, with threonine, which is neutral and polar, at codon 679 of the SCN9A protein (p.Met679Thr). This variant is not present in population databases (gnomAD no frequency). This variant has not been reported in the literature in individuals affected with SCN9A-related conditions. Advanced modeling of protein sequence and biophysical properties (such as structural, functional, and spatial information, amino acid conservation, physicochemical variation, residue mobility, and thermodynamic stability) performed at Invitae indicates that this missense variant is not expected to disrupt SCN9A protein function. In summary, the available evidence is currently insufficient to determine the role of this variant in disease. Therefore, it has been classified as a Variant of Uncertain Significance.

NM_001365536.1(SCN9A):c.2069T>C (p.Met690Thr)

Genes: SCN1A-AS1 (SCN1A and SCN9A antisense RNA 1; plus strand), SCN9A (sodium voltage-gated channel alpha subunit 9; minus strand). Cytogenetic location: 2q24.3.
Variant type: single nucleotide variant.
Coding change: c.2069T>C on transcript NM_001365536.1 (MANE Select); coding-DNA position 2069, T replaced by C.
Protein change: p.Met690Thr; replaces methionine 690 with threonine.
Molecular consequence: missense variant.
Genome position (GRCh38, 1-based): chr2:166,281,714, A>G on the plus strand (T>C on the coding strand, the complement: SCN9A is on the minus strand). VCF-style: chr2-166281714-A-G. GRCh37 (hg19) VCF-style: chr2-167138224-A-G.
Other names: c.2036T>C, p.Met679Thr (NM_002977.4); short protein forms M679T, M690T.
Identifiers: ClinVar variation 2953189 (VCV002953189.3), dbSNP rs2468024394, ClinGen allele CA349080999.